The following is an entry in ClinVar:

NM_014363.6(SACS):c.6436A>G (p.Ile2146Val)

Gene: SACS (sacsin molecular chaperone; minus strand). Cytogenetic location: 13q12.12.
Variant type: single nucleotide variant.
Coding change: c.6436A>G on transcript NM_014363.6 (MANE Select); coding-DNA position 6436, A replaced by G.
Protein change: p.Ile2146Val; replaces isoleucine 2146 with valine.
Molecular consequence: missense variant.
Genome position (GRCh38, 1-based): chr13:23,337,440, T>C on the plus strand (A>G on the coding strand, the complement: SACS is on the minus strand). VCF-style: chr13-23337440-T-C. GRCh37 (hg19) VCF-style: chr13-23911579-T-C.
Other names: c.5995A>G, p.Ile1999Val (NM_001278055.2); short protein forms I2146V, I1999V.
Identifiers: ClinVar variation 458269 (VCV000458269.9), dbSNP rs1415663565, ClinGen allele CA387521847.

ClinVar aggregate classification (germline): Uncertain significance. Review status: criteria provided, single submitter (1 of 4 stars). 2 submissions from 2 submitters: Uncertain significance (1). 1 of the submissions does not count toward it. Last evaluated 2024-01-24.

Conditions:
Spastic paraplegia. Identifiers: MedGen C0037772, HP:0001258.
Charlevoix-Saguenay spastic ataxia (SACS). Also called: AUTOSOMAL RECESSIVE SPASTIC ATAXIA OF CHARLEVOIX-SAGUENAY; Spastic ataxia of Charlevoix-Saguenay; SPASTIC ATAXIA 6, AUTOSOMAL RECESSIVE. Identifiers: Orphanet 98, MedGen C1849140, MONDO:0010041, OMIM 270550.

Allele frequency attached by ClinVar (database versions not stated): gnomAD exomes below 0.00001; TOPMed 0.00001.
gnomAD v4.1: 1 of 1,612,588 alleles (0.000062%); highest among the groups gnomAD compares: Non-Finnish European, 0.000085%; no homozygotes.

Submissions (2):

Labcorp Genetics (formerly Invitae), Labcorp
Classification: Uncertain significance for Spastic paraplegia. Last evaluated: 2024-01-24. Review status: criteria provided, single submitter. Criteria: Invitae Variant Classification Sherloc (09022015). Collection method: clinical testing. Allele origin: germline.
Comment: This sequence change replaces isoleucine, which is neutral and non-polar, with valine, which is neutral and non-polar, at codon 2146 of the SACS protein (p.Ile2146Val). This variant is not present in population databases (gnomAD no frequency). This variant has not been reported in the literature in individuals affected with SACS-related conditions. ClinVar contains an entry for this variant (Variation ID: 458269). Advanced modeling of protein sequence and biophysical properties (such as structural, functional, and spatial information, amino acid conservation, physicochemical variation, residue mobility, and thermodynamic stability) performed at Invitae indicates that this missense variant is not expected to disrupt SACS protein function with a negative predictive value of 95%. In summary, the available evidence is currently insufficient to determine the role of this variant in disease. Therefore, it has been classified as a Variant of Uncertain Significance.

Natera, Inc.
Classification: Uncertain significance for Charlevoix-Saguenay type spastic ataxia. Last evaluated: 2020-02-21. Review status: no assertion criteria provided. Collection method: clinical testing. Allele origin: germline. Not counted in ClinVar's aggregate classification.